The following is an entry in ClinVar:

ClinVar aggregate classification (germline): Likely benign (1 of 4 stars; one submission).

Allele frequency attached by ClinVar (database versions not stated): ExAC 0.00004; gnomAD exomes 0.00006; gnomAD 0.00007; TOPMed 0.00007.
gnomAD v4.1: 94 of 1,614,072 alleles (0.0058%); highest among the groups gnomAD compares: Non-Finnish European, 0.0074%; no homozygotes.

Submission:

CeGaT Center for Human Genetics Tuebingen
Classification: Likely benign. Last evaluated: 2025-06-01. Review status: criteria provided, single submitter. Criteria: CeGaT Center For Human Genetics Tuebingen Variant Classification Criteria Version 2. Collection method: clinical testing. Allele origin: germline. Affected: yes. Observed: 2 variant alleles.
Comment: DRD2: BP4, BP7

NM_000795.4(DRD2):c.330C>T (p.Phe110=)

Gene: DRD2 (dopamine receptor D2; minus strand). Cytogenetic location: 11q23.2.
Variant type: single nucleotide variant.
Coding change: c.330C>T on transcript NM_000795.4 (MANE Select); coding-DNA position 330, C replaced by T.
Protein change: p.Phe110=; no amino-acid change (phenylalanine 110 retained).
Molecular consequence: synonymous variant.
Genome position (GRCh38, 1-based): chr11:113,418,092, G>A on the plus strand (C>T on the coding strand, the complement: DRD2 is on the minus strand). VCF-style: chr11-113418092-G-A. GRCh37 (hg19) VCF-style: chr11-113288814-G-A.
Other names: c.330C>T, p.Phe110= (NM_016574.4).
Identifiers: ClinVar variation 2642381 (VCV002642381.24), dbSNP rs201130366, ClinGen allele CA6281433.